The following is an entry in ClinVar:

NM_000051.4(ATM):c.8211A>G (p.Thr2737=)

Genes: ATM (ATM serine/threonine kinase; plus strand), C11orf65 (chromosome 11 open reading frame 65; minus strand). Cytogenetic location: 11q22.3.
Variant type: single nucleotide variant.
Coding change: c.8211A>G on transcript NM_000051.4 (MANE Select); coding-DNA position 8211, A replaced by G.
Protein change: p.Thr2737=; no amino-acid change (threonine 2737 retained).
Molecular consequence: synonymous variant. On other transcripts: intron variant (2).
Genome position (GRCh38, 1-based): chr11:108,335,904, A>G. VCF-style: chr11-108335904-A-G. GRCh37 (hg19) VCF-style: chr11-108206631-A-G.
Other names: c.8211A>G, p.Thr2737= (NM_001351834.2); c.641-26833T>C (NM_001330368.2); c.695-612T>C (NM_001351110.2).
Identifiers: ClinVar variation 478946 (VCV000478946.17), dbSNP rs876660946, ClinGen allele CA476678163.
Genomic context (GRCh38, chr11:108,335,904, plus strand): 5'-GGGCCGTGATGACCTGAGACAAGATGCTGTCATGCAACAGGTCTTCCAGATGTGTAATAC[A>G]TTACTGCAGAGAAACACGGAAACTAGGAAGAGGAAATTAACTATCTGTACTTATAAGGTA-3'
Protein context (NP_000042.3, residues 2727-2747): VMQQVFQMCN[Thr2737=]LLQRNTETRK

ClinVar aggregate classification (germline): Benign/Likely benign. Review status: criteria provided, multiple submitters, no conflicts (2 of 4 stars). 5 submissions from 5 submitters: Benign (1); Likely benign (4). Last evaluated 2025-11-24.

Conditions:
Hereditary cancer-predisposing syndrome. Also called: Neoplastic Syndromes, Hereditary; Hereditary Cancer Syndrome; Tumor predisposition; Hereditary neoplastic syndrome. Identifiers: Orphanet 140162, MedGen C0027672, MeSH D009386, MONDO:0015356.
Familial cancer of breast. Also called: Hereditary breast cancer; BREAST CANCER, FAMILIAL; hereditary breast carcinoma. Identifiers: Orphanet 227535, MedGen C0346153, MONDO:0016419, OMIM 114480. Disease mechanism: loss of function.
Ataxia-telangiectasia syndrome (AT). Also called: LOUIS-BAR SYNDROME; Cerebello-oculocutaneous telangiectasia; Immunodeficiency with ataxia telangiectasia; Ataxia-telangiectasia, complementation group D; AT, COMPLEMENTATION GROUP C; Ataxia-telangiectasia, complementation group E. Identifiers: Orphanet 100, MedGen C0004135, MONDO:0008840, OMIM 208900.

Submissions (5):

Labcorp Genetics (formerly Invitae), Labcorp
Classification: Likely benign for Ataxia-telangiectasia syndrome. Last evaluated: 2025-11-24. Review status: criteria provided, single submitter. Criteria: Invitae Variant Classification Sherloc (09022015). Collection method: clinical testing. Allele origin: germline.

Myriad Genetics, Inc.
Classification: Benign for Familial cancer of breast. Last evaluated: 2024-06-18. Review status: criteria provided, single submitter. Criteria: Myriad Autosomal Dominant, Autosomal Recessive and X-Linked Classification Criteria (2023). Collection method: clinical testing. Allele origin: unknown.
Comment: This variant is considered benign. This variant is a silent/synonymous amino acid change and it is not expected to impact splicing.

Color Diagnostics, LLC DBA Color Health
Classification: Likely benign for Hereditary cancer-predisposing syndrome. Last evaluated: 2021-08-24. Review status: criteria provided, single submitter. Criteria: ACMG Guidelines, 2015. Collection method: clinical testing. Allele origin: germline.

GeneDx
Classification: Likely benign. Last evaluated: 2017-10-06. Review status: criteria provided, single submitter. Criteria: GeneDx Variant Classification (06012015). Collection method: clinical testing. Allele origin: germline. Affected: yes.
Comment: This variant is considered likely benign or benign based on one or more of the following criteria: it is a conservative change, it occurs at a poorly conserved position in the protein, it is predicted to be benign by multiple in silico algorithms, and/or has population frequency not consistent with disease.

Ambry Genetics
Classification: Likely benign for Hereditary cancer-predisposing syndrome. Last evaluated: 2016-01-20. Review status: criteria provided, single submitter. Criteria: Ambry Variant Classification Scheme 2023. Collection method: clinical testing. Allele origin: germline.